The following is an entry in ClinVar:

NM_000435.3(NOTCH3):c.3691C>T (p.Arg1231Cys)

Gene: NOTCH3 (notch receptor 3; minus strand). Cytogenetic location: 19p13.12.
Variant type: single nucleotide variant.
Coding change: c.3691C>T on transcript NM_000435.3 (MANE Select); coding-DNA position 3691, C replaced by T.
Protein change: p.Arg1231Cys; replaces arginine 1231 with cysteine.
Molecular consequence: missense variant.
Genome position (GRCh38, 1-based): chr19:15,179,052, G>A on the plus strand (C>T on the coding strand, the complement: NOTCH3 is on the minus strand). VCF-style: chr19-15179052-G-A. GRCh37 (hg19) VCF-style: chr19-15289863-G-A.
Other names: short protein forms R1231C.
Identifiers: ClinVar variation 216972 (VCV000216972.70), dbSNP rs201680145, ClinGen allele CA090979.

ClinVar aggregate classification (germline): Conflicting classifications of pathogenicity. Review status: criteria provided, conflicting classifications (1 of 4 stars). 21 submissions from 21 submitters: Pathogenic (3); Likely pathogenic (3); Uncertain significance (11); Benign (1). 3 of the submissions do not count toward it. Last evaluated 2026-08-06.

Conditions:
NOTCH3-related disorder. Also called: NOTCH3-related condition; NOTCH3-related disorders.
Adult onset dystonia, chorea or related movement disorder.
Cerebral arteriopathy, autosomal dominant, with subcortical infarcts and leukoencephalopathy, type 1 (CADASIL1). Also called: CADASIL 1; CASIL; Cerebral arteriopathy with subcortical infarcts and leukoencephalopathy 1; DEMENTIA, HEREDITARY MULTIINFARCT TYPE. Identifiers: Orphanet 136, MedGen C4551768, MONDO:0000914, OMIM 125310.

Allele frequency attached by ClinVar (database versions not stated): ESP Exome Variant Server 0.00008; TOPMed 0.00020; gnomAD exomes 0.00049 and 0.00089; 1000 Genomes Project 0.00080; ExAC 0.00100; 1000 Genomes Project 30x 0.00141.
gnomAD v4.1: 772 of 1,614,208 alleles (0.048%); highest among the groups gnomAD compares: South Asian, 0.49%; 3 homozygotes.

Submissions 1 to 8 of 21:

NHS Central & South Genomic Laboratory Hub
Classification: Likely pathogenic for Adult onset dystonia, chorea or related movement disorder. Last evaluated: 2026-08-06. Review status: criteria provided, single submitter. Criteria: ACMG Guidelines, 2015. Collection method: clinical testing. Allele origin: germline. Affected: yes.

PreventionGenetics, part of Exact Sciences
Classification: Likely pathogenic for NOTCH3-related condition. Last evaluated: 2026-07-23. Review status: criteria provided, single submitter. Criteria: ACMG Guidelines, 2015. Collection method: clinical testing. Allele origin: germline.
Comment: The NOTCH3 c.3691C>T variant is predicted to result in the amino acid substitution p.Arg1231Cys. This variant has been reported in numerous individuals affected with cerebral arteriopathy with subcortical infarcts and leukoencephalopathy (CADASIL) (Joutel et al. 1997. PubMed ID: 9388399; Bianchi et al. 2015. PubMed ID: 25344745). However, this variant has also been documented in the gnomAD database with a subpopulation allele frequency up to 0.5%, including presence in two homozygous individuals. This carrier frequency is higher than the expected prevalence of CADASIL. Most CADASIL causing variants in the NOTCH3 gene result in the gain or loss of one or more cysteine residues in the extracellular domain of the protein, as seen in this patient. This patient’s variant alters a cysteine residue and is located in the extracellular EGF-like domain 31. Pathogenic variants in EGF-like domains 1-6 appear to be fully penetrant and are usually associated with the classical CADASIL phenotype. Pathogenic variants in EGF-like domains 7-34 have a much higher population frequency, and can predispose to a milder small-vessel disease, possibly even displaying incomplete or at least very late onset complete penetrance (OMIM #125310; Rutten et al. 2016. PubMed ID: 27844030; Rutten et al. 2019. PubMed ID: 30032161).The data for this variant support an association with CADASIL that is predicted to be fully penetrant, but milder and later onset than typical CADASIL (Rutten et al. 2016. PubMed ID: 27844030). Of interest, rare patients with this variant in the homozygous or compound heterozygous states present in the age range and phenotypic severity of typical CADASIL (Abou Al-Shaar. 2016. PubMed ID: 27423596; Abramycheva et al. 2015. PubMed ID: 25623805). In summary, we interpret this variant as likely pathogenic for late-onset CADASIL.

Genetics Laboratory, Great Ormond Street Hospital NHS Foundation Trust, North Thames Genomic Laboratory Hub
Classification: Uncertain significance for CADASIL. Last evaluated: 2026-05-19. Review status: criteria provided, single submitter. Criteria: ACGS Best Practice Guidelines for Variant Classification in Rare Disease 2024 v1.2. Collection method: clinical testing. Allele origin: germline. Affected: yes.
Comment: PM1_strong

Mayo Clinic Laboratories, Mayo Clinic
Classification: Uncertain significance. Last evaluated: 2025-11-25. Review status: criteria provided, single submitter. Criteria: ACMG Guidelines, 2015. Collection method: clinical testing. Allele origin: germline. Observed: 5 variant alleles.
Comment: PP2, PP4, PM1

Labcorp Genetics (formerly Invitae), Labcorp
Classification: Uncertain significance. Last evaluated: 2025-11-23. Review status: criteria provided, single submitter. Criteria: Invitae Variant Classification Sherloc (09022015). Collection method: clinical testing. Allele origin: germline.
Comment: This sequence change replaces arginine, which is basic and polar, with cysteine, which is neutral and slightly polar, at codon 1231 of the NOTCH3 protein (p.Arg1231Cys). This variant is present in population databases (rs201680145, gnomAD 0.5%), including at least one homozygous and/or hemizygous individual. This missense change has been observed in individual(s) with cerebral arteriopathy with subcortical infarcts and leukoencephalopathy (PMID: 9388399, 12395806, 15229130, 19006080, 22664156, 23639391, 25326637, 30212743, 31915071, 32128266, 33013620, 33712516). It has also been observed to segregate with disease in related individuals. ClinVar contains an entry for this variant (Variation ID: 216972). Invitae Evidence Modeling of protein sequence and biophysical properties (such as structural, functional, and spatial information, amino acid conservation, physicochemical variation, residue mobility, and thermodynamic stability) indicates that this missense variant is expected to disrupt NOTCH3 protein function with a positive predictive value of 95%. In summary, the available evidence is currently insufficient to determine the role of this variant in disease. Therefore, it has been classified as a Variant of Uncertain Significance.

Women's Health and Genetics/Laboratory Corporation of America, LabCorp
Classification: Uncertain significance. Last evaluated: 2025-11-05. Review status: criteria provided, single submitter. Criteria: LabCorp Variant Classification Summary - May 2015. Collection method: clinical testing. Allele origin: germline.
Comment: Variant summary: NOTCH3 c.3691C>T (p.Arg1231Cys) results in a non-conservative amino acid change in the encoded protein sequence. Algorithms developed to predict the effect of missense changes on protein structure and function all suggest that this variant is likely to be disruptive. The variant allele was found at a frequency of 0.00089 in 250384 control chromosomes, predominantly at a frequency of 0.0054 within the South Asian subpopulation in the gnomAD database, including 3 homozygotes. The observed variant frequency within South Asian control individuals in the gnomAD database exceeds the estimated maximal expected allele frequency for disease-causing variants in NOTCH3. However, c.3691C>T has been observed in multiple heterozygous, and several homozygous, individuals affected with Cerebral arteriopathy with subcortical infarcts and leukoencephalopathy (CADASIL) and has been found to segregate in affected family members (e.g. Joutel_1997, Singhal_2004, Bianchi_2015, Abou Al-Shaar_2016). To our knowledge, no experimental evidence demonstrating an impact on protein function has been reported. The following publications have been ascertained in the context of this evaluation (PMID: 27423596, 25344745, 9388399, 15229130). ClinVar contains an entry for this variant (Variation ID: 216972). Based on the evidence outlined above, the variant was classified as uncertain significance.

Athena Diagnostics
Classification: Uncertain significance. Last evaluated: 2025-08-18. Review status: criteria provided, single submitter. Criteria: Athena Diagnostics Criteria. Collection method: clinical testing. Allele origin: unknown.
Comment: Available data are insufficient to determine the clinical significance of the variant at this time. This variant alters a critical location within the protein, and is expected to severely affect function and cause disease. The frequency of this variant in the general population is higher than would generally be expected for pathogenic variants in this gene. (Genome Aggregation Database (gnomAD), Cambridge, MA (URL)). This variant is statistically more frequent in individuals with CADASIL than in the general population and/or healthy controls. This variant segregates with CADASIL in at least one family. Polyphen and MutationTaster predict this amino acid change may be damaging to the protein. Greater than 90% of NOTCH3 pathogenic variants associated with CADASIL involve the gain or loss of a cysteine residue within the epidermal growth factor (EGF)-like repeat domain (PMID: 32457593, 20301673).

Institute of Human Genetics, University of Leipzig Medical Center
Classification: Likely pathogenic for Cerebral arteriopathy, autosomal dominant, with subcortical infarcts and leukoencephalopathy, type 1. Last evaluated: 2025-03-03. Review status: criteria provided, single submitter. Criteria: ACMG Guidelines, 2015. Collection method: clinical testing. Allele origin: unknown. Inheritance: Autosomal dominant inheritance. Affected: yes.
Comment: Criteria applied: PM1_STR,PS4_MOD,PP3,PP4